The following is an entry in ClinVar:

ClinVar aggregate classification (germline): Pathogenic. Review status: criteria provided, multiple submitters, no conflicts (2 of 4 stars). 2 submissions from 2 submitters: Pathogenic (2). Last evaluated 2023-07-25.

Conditions:
Long QT syndrome (LQTS). Identifiers: MedGen C0023976, MeSH D008133, MONDO:0002442. Disease mechanism: loss of function. Inheritance: Various modes of inheritance.

Submissions (2):

Labcorp Genetics (formerly Invitae), Labcorp
Classification: Pathogenic for Long QT syndrome. Last evaluated: 2023-07-25. Review status: criteria provided, single submitter. Criteria: Invitae Variant Classification Sherloc (09022015). Collection method: clinical testing. Allele origin: germline.
Comment: This premature translational stop signal has been observed in individual(s) with clinical features of long QT Syndrome (PMID: 23098067). ClinVar contains an entry for this variant (Variation ID: 200861). This variant disrupts a region of the KCNQ1 protein in which other variant(s) (p.Arg632Glnfs*20) have been determined to be pathogenic (PMID: 10024302, 23098067, 23631430, 25187895). This suggests that this is a clinically significant region of the protein, and that variants that disrupt it are likely to be disease-causing. For these reasons, this variant has been classified as Pathogenic. This variant is not present in population databases (gnomAD no frequency). This sequence change creates a premature translational stop signal (p.Gln601*) in the KCNQ1 gene. While this is not anticipated to result in nonsense mediated decay, it is expected to disrupt the last 76 amino acid(s) of the KCNQ1 protein.

GeneDx
Classification: Pathogenic. Last evaluated: 2012-06-11. Review status: criteria provided, single submitter. Criteria: GeneDx Variant Classification (06012015). Collection method: clinical testing. Allele origin: germline. Affected: yes.
Comment: This mutation is denoted c.1801 C>T at the cDNA level or p.Gln601Stop (Q601X) at the protein level. The Gln601Stop mutation in the KCNQ1 gene has not been reported as a disease-causing mutation or as benign polymorphism to our knowledge. Gln601Stop is predicted to cause loss of normal protein function by protein truncation. Other nonsense mutations in the KCNQ1 gene have been reported in association with LQTS. The variant is found in LQT panel(s).

Literature cited by the submitters: PubMed 23098067 (cited by Labcorp Genetics (formerly Invitae), Labcorp); PubMed 10024302 (cited by Labcorp Genetics (formerly Invitae), Labcorp); PubMed 23631430 (cited by Labcorp Genetics (formerly Invitae), Labcorp); PubMed 25187895 (cited by Labcorp Genetics (formerly Invitae), Labcorp).

NM_000218.3(KCNQ1):c.1801C>T (p.Gln601Ter)

Genes: KCNQ1 (potassium voltage-gated channel subfamily Q member 1; plus strand), KCNQ1-AS1 (KCNQ1 antisense RNA 1; minus strand). Cytogenetic location: 11p15.4.
Variant type: single nucleotide variant.
Coding change: c.1801C>T on transcript NM_000218.3 (MANE Select); coding-DNA position 1801, C replaced by T.
Protein change: p.Gln601Ter; replaces glutamine 601 with a stop codon.
Molecular consequence: nonsense.
Genome position (GRCh38, 1-based): chr11:2,847,773, C>T. VCF-style: chr11-2847773-C-T. GRCh37 (hg19) VCF-style: chr11-2869003-C-T.
Other names: p.Q601*:CAG>TAG; c.1705C>T, p.Gln569Ter (NM_001406836.1); c.1531C>T, p.Gln511Ter (NM_001406837.1); c.1261C>T, p.Gln421Ter (NM_001406838.1); c.313C>T, p.Gln105Ter (NM_001406839.1); c.1420C>T, p.Gln474Ter (NM_181798.2); short protein forms Q474*, Q601*, Q421*, Q511*, Q569*, Q105*.
Identifiers: ClinVar variation 200861 (VCV000200861.13), dbSNP rs794728540, ClinGen allele CA006452.